The following is an entry in ClinVar:

NM_000243.3(MEFV):c.1089C>T (p.Ser363=)

Gene: MEFV (MEFV innate immunity regulator, pyrin; minus strand). Cytogenetic location: 16p13.3.
Variant type: single nucleotide variant.
Coding change: c.1089C>T on transcript NM_000243.3 (MANE Select); coding-DNA position 1089, C replaced by T.
Protein change: p.Ser363=; no amino-acid change (serine 363 retained).
Molecular consequence: synonymous variant.
Genome position (GRCh38, 1-based): chr16:3,249,602, G>A on the plus strand (C>T on the coding strand, the complement: MEFV is on the minus strand). VCF-style: chr16-3249602-G-A. GRCh37 (hg19) VCF-style: chr16-3299602-G-A.
Other names: c.456C>T, p.Ser152= (NM_001198536.2).
Identifiers: ClinVar variation 97431 (VCV000097431.12), dbSNP rs104895170, ClinGen allele CA280370.

ClinVar aggregate classification (germline): Conflicting classifications of pathogenicity. Review status: criteria provided, conflicting classifications (1 of 4 stars). 6 submissions from 4 submitters: Uncertain significance (1); Likely benign (4). 1 of the submissions does not count toward it. Last evaluated 2024-06-28.

Conditions:
Acute febrile neutrophilic dermatosis (AFND). Also called: Gomm Button disease; Sweet Syndrome. Identifiers: Orphanet 3243, MedGen C0085077, MONDO:0011959, OMIM 608068.
Familial Mediterranean fever, autosomal dominant. Also called: FMF, AUTOSOMAL DOMINANT; Dominant Familial Mediterranean Fever. Identifiers: Orphanet 342, MedGen C1851347, MONDO:0007601, OMIM 134610.
Familial Mediterranean fever (FMF). Also called: POLYSEROSITIS, FAMILIAL PAROXYSMAL; POLYSEROSITIS, RECURRENT; Periodic peritonitis; Benign paroxysmal peritonitis. Identifiers: Orphanet 342, MedGen C0031069, MONDO:0018088, OMIM 249100. Disease mechanism: gain of function.

Allele frequency attached by ClinVar (database versions not stated): ExAC 0.00001; TOPMed 0.00001; gnomAD exomes 0.00002.

Submissions (6):

Labcorp Genetics (formerly Invitae), Labcorp
Classification: Likely benign for Familial Mediterranean fever. Last evaluated: 2024-06-28. Review status: criteria provided, single submitter. Criteria: Invitae Variant Classification Sherloc (09022015). Collection method: clinical testing. Allele origin: germline.

Genome-Nilou Lab
Classification: Uncertain significance for Familial Mediterranean fever. Last evaluated: 2023-02-08. Review status: criteria provided, single submitter. Criteria: ACMG Guidelines, 2015. Collection method: clinical testing. Allele origin: germline.

Genome-Nilou Lab
Classification: Likely benign for Familial Mediterranean fever, autosomal dominant. Last evaluated: 2023-02-08. Review status: criteria provided, single submitter. Criteria: ACMG Guidelines, 2015. Collection method: clinical testing. Allele origin: germline.

Genome-Nilou Lab
Classification: Likely benign for Acute febrile neutrophilic dermatosis. Last evaluated: 2023-02-08. Review status: criteria provided, single submitter. Criteria: ACMG Guidelines, 2015. Collection method: clinical testing. Allele origin: germline.

GeneDx
Classification: Likely benign. Last evaluated: 2017-06-12. Review status: criteria provided, single submitter. Criteria: GeneDx Variant Classification (06012015). Collection method: clinical testing. Allele origin: germline. Affected: yes.
Comment: This variant is considered likely benign or benign based on one or more of the following criteria: it is a conservative change, it occurs at a poorly conserved position in the protein, it is predicted to be benign by multiple in silico algorithms, and/or has population frequency not consistent with disease.

Unité médicale des maladies autoinflammatoires, CHRU Montpellier
No classification provided. Condition: Familial Mediterranean fever. Review status: no classification provided. Collection method: not provided. Allele origin: unknown. Not counted in ClinVar's aggregate classification.